The following is an entry in ClinVar:

NM_001267550.2(TTN):c.2629C>A (p.Pro877Thr)

Gene: TTN (titin; minus strand). Cytogenetic location: 2q31.2.
Variant type: single nucleotide variant.
Coding change: c.2629C>A on transcript NM_001267550.2 (MANE Select); coding-DNA position 2629, C replaced by A.
Protein change: p.Pro877Thr; replaces proline 877 with threonine.
Molecular consequence: missense variant.
Genome position (GRCh38, 1-based): chr2:178,784,216, G>T on the plus strand (C>A on the coding strand, the complement: TTN is on the minus strand). VCF-style: chr2-178784216-G-T. GRCh37 (hg19) VCF-style: chr2-179648943-G-T.
Other names: c.2629C>A, p.Pro877Thr (NM_001256850.1, NM_133378.4, NM_133379.5); c.2491C>A, p.Pro831Thr (NM_003319.4, NM_133432.3, NM_133437.4); short protein forms P877T, P831T.
Identifiers: ClinVar variation 263452 (VCV000263452.7), dbSNP rs751640052, ClinGen allele CA10587521.

ClinVar aggregate classification (germline): Conflicting classifications of pathogenicity. Review status: criteria provided, conflicting classifications (1 of 4 stars). 3 submissions from 3 submitters: Uncertain significance (2); Likely benign (1). Last evaluated 2017-06-27.

Conditions:
Cardiovascular phenotype. Identifiers: MedGen CN230736.

Allele frequency attached by ClinVar (database versions not stated): gnomAD 0.00001; TOPMed 0.00001.
gnomAD v4.1: 6 of 1,614,058 alleles (0.00037%); highest among the groups gnomAD compares: Admixed American, 0.0017%; no homozygotes.

Submissions (3):

GeneDx
Classification: Likely benign. Last evaluated: 2017-06-27. Review status: criteria provided, single submitter. Criteria: GeneDx Variant Classification (06012015). Collection method: clinical testing. Allele origin: germline. Affected: yes.
Comment: This variant is considered likely benign or benign based on one or more of the following criteria: it is a conservative change, it occurs at a poorly conserved position in the protein, it is predicted to be benign by multiple in silico algorithms, and/or has population frequency not consistent with disease.

Eurofins Ntd Llc (ga)
Classification: Uncertain significance. Last evaluated: 2015-10-04. Review status: criteria provided, single submitter. Criteria: EGL Classification Definitions 2015. Collection method: clinical testing. Allele origin: germline. Observed: 1 variant allele, 1 heterozygote.

Ambry Genetics
Classification: Uncertain significance for Cardiovascular phenotype. Last evaluated: 2013-01-29. Review status: criteria provided, single submitter. Criteria: Ambry Autosomal Dominant and X-Linked criteria (10/2015). Collection method: clinical testing. Allele origin: germline. Observed: 1 variant allele.
Comment: There is insufficient or conflicting evidence for classification of this alteration.